The following is an entry in ClinVar:

ClinVar aggregate classification (germline): Uncertain significance (1 of 4 stars; one submission).

Conditions:
Hereditary cancer-predisposing syndrome. Also called: Hereditary neoplastic syndrome; Neoplastic Syndromes, Hereditary; Tumor predisposition; Hereditary Cancer Syndrome. Identifiers: Orphanet 140162, MedGen C0027672, MeSH D009386, MONDO:0015356.

Submission:

Ambry Genetics
Classification: Uncertain significance for Hereditary cancer-predisposing syndrome. Last evaluated: 2025-03-02. Review status: criteria provided, single submitter. Criteria: Ambry Variant Classification Scheme 2023. Collection method: clinical testing. Allele origin: germline.
Comment: The p.C781S variant (also known as c.2341T>A), located in coding exon 20 of the EGFR gene, results from a T to A substitution at nucleotide position 2341. The cysteine at codon 781 is replaced by serine, an amino acid with dissimilar properties. This amino acid position is highly conserved in available vertebrate species. In addition, this alteration is predicted to be deleterious by in silico analysis. Based on the available evidence, the clinical significance of this variant remains unclear.

NM_005228.5(EGFR):c.2341T>A (p.Cys781Ser)

Genes: EGFR-AS1 (EGFR antisense RNA 1; minus strand), EGFR (epidermal growth factor receptor; plus strand). Cytogenetic location: 7p11.2.
Variant type: single nucleotide variant.
Coding change: c.2341T>A on transcript NM_005228.5 (MANE Select); coding-DNA position 2341, T replaced by A.
Protein change: p.Cys781Ser; replaces cysteine 781 with serine.
Molecular consequence: missense variant. On other transcripts: non-coding transcript variant (1).
Genome position (GRCh38, 1-based): chr7:55,181,350, T>A. VCF-style: chr7-55181350-T-A. GRCh37 (hg19) VCF-style: chr7-55249043-T-A.
Other names: c.2206T>A, p.Cys736Ser (NM_001346897.2, NM_001346899.2); c.2341T>A, p.Cys781Ser (NM_001346898.2); c.2182T>A, p.Cys728Ser (NM_001346900.2); c.1540T>A, p.Cys514Ser (NM_001346941.2); short protein forms C736S, C728S, C514S, C781S.
Identifiers: ClinVar variation 3843824 (VCV003843824.1).
Genomic context (GRCh38, chr7:55,181,350, plus strand): 5'-CAGGAAGCCTACGTGATGGCCAGCGTGGACAACCCCCACGTGTGCCGCCTGCTGGGCATC[T>A]GCCTCACCTCCACCGTGCAGCTCATCACGCAGCTCATGCCCTTCGGCTGCCTCCTGGACT-3'
Protein context (NP_005219.2, residues 771-791): NPHVCRLLGI[Cys781Ser]LTSTVQLITQ